The following is an entry in ClinVar:

NM_001046.3(SLC12A2):c.2021T>C (p.Ile674Thr)

Gene: SLC12A2 (solute carrier family 12 member 2; plus strand). Cytogenetic location: 5q23.3.
Variant type: single nucleotide variant.
Coding change: c.2021T>C on transcript NM_001046.3 (MANE Select); coding-DNA position 2021, T replaced by C.
Protein change: p.Ile674Thr; replaces isoleucine 674 with threonine.
Molecular consequence: missense variant. On other transcripts: non-coding transcript variant (1).
Genome position (GRCh38, 1-based): chr5:128,150,012, T>C. VCF-style: chr5-128150012-T-C. GRCh37 (hg19) VCF-style: chr5-127485704-T-C.
Other names: c.2021T>C, p.Ile674Thr (NM_001256461.2); short protein forms I674T.
Identifiers: ClinVar variation 4165937 (VCV004165937.2).
Genomic context (GRCh38, chr5:128,150,012, plus strand): 5'-AAATGTCTAATACGTCAGTAAATCTCGCATGTGTTTGTTCTGCAGCTGAACTGAATGTTA[T>C]TGCACCAATTATCTCAAACTTCTTCCTTGCATCATATGCATTGATCAATTTTTCAGTATT-3'
Protein context (NP_001037.1, residues 664-684): GFILIAELNV[Ile674Thr]APIISNFFLA

ClinVar aggregate classification (germline): Uncertain significance. Review status: criteria provided, multiple submitters, no conflicts (2 of 4 stars). 2 submissions from 2 submitters: Uncertain significance (2). Last evaluated 2026-04-11.

Conditions:
Inborn genetic diseases. Identifiers: MedGen C0950123, MeSH D030342.
SLC12A2-related disorder. Also called: SLC12A2-related disorders; SLC12A2-related condition.

gnomAD v4.1: 1 of 1,609,840 alleles (0.000062%); highest among the groups gnomAD compares: East Asian, 0.0022%; no homozygotes.

Submissions (2):

PreventionGenetics, part of Exact Sciences
Classification: Uncertain significance for SLC12A2-related condition. Last evaluated: 2026-04-11. Review status: criteria provided, single submitter. Criteria: ACMG Guidelines, 2015. Collection method: clinical testing. Allele origin: germline.
Comment: The SLC12A2 c.2021T>C variant is predicted to result in the amino acid substitution p.Ile674Thr. To our knowledge, this variant has not been reported in the literature. This variant is reported in 0.0054% of alleles in individuals of East Asian descent in gnomAD. At this time, the clinical significance of this variant is uncertain due to the absence of conclusive functional and genetic evidence.

Ambry Genetics
Classification: Uncertain significance for Inborn genetic diseases. Last evaluated: 2025-06-17. Review status: criteria provided, single submitter. Criteria: Ambry Variant Classification Scheme 2023. Collection method: clinical testing. Allele origin: germline.